The following is an entry in ClinVar:

NM_001099922.3(ALG13):c.750+6del

Gene: ALG13 (ALG13 UDP-N-acetylglucosaminyltransferase subunit; plus strand). Cytogenetic location: Xq23.
Variant type: Deletion.
Coding change: c.750+6del on transcript NM_001099922.3 (MANE Select); 6 bases into the intron after coding-DNA position 750, one base deleted (A; older notation c.750+6delA).
Molecular consequence: intron variant.
Genome position (GRCh38, 1-based): chrX:111,708,399, A deleted; the last of 4 consecutive A bases (chrX:111,708,396-111,708,399); deleting any one gives the same sequence. VCF-style (leftmost placement, unchanged base first): chrX-111708395-TA-T. GRCh37 (hg19) VCF-style: chrX-110951623-TA-T.
Other names: c.438+6del (NM_001257237.2, NM_001324293.1, NM_001257234.2 and 1 more transcripts); c.516+6del (NM_001257231.2); c.750+6del (NM_001324292.2).
Identifiers: ClinVar variation 2069715 (VCV002069715.1), dbSNP rs766318648, ClinGen allele CA10493568.

ClinVar aggregate classification (germline): Uncertain significance (1 of 4 stars; one submission).

Conditions:
Developmental and epileptic encephalopathy, 36 (DEE36). Also called: Epileptic encephalopathy, early infantile, 36; ALG13-CDG; Congenital disorder of glycosylation, type Is. Identifiers: Orphanet 324422, MedGen C4317295, MONDO:0010472, OMIM 300884.

Submission:

Labcorp Genetics (formerly Invitae), Labcorp
Classification: Uncertain significance for Developmental and epileptic encephalopathy, 36. Last evaluated: 2022-06-21. Review status: criteria provided, single submitter. Criteria: Invitae Variant Classification Sherloc (09022015). Collection method: clinical testing. Allele origin: germline.
Comment: This sequence change falls in intron 4 of the ALG13 gene. It does not directly change the encoded amino acid sequence of the ALG13 protein. It affects a nucleotide within the consensus splice site. This variant is present in population databases (rs766318648, gnomAD 0.001%), including at least one homozygous and/or hemizygous individual. This variant has not been reported in the literature in individuals affected with ALG13-related conditions. Variants that disrupt the consensus splice site are a relatively common cause of aberrant splicing (PMID: 17576681, 9536098). Algorithms developed to predict the effect of sequence changes on RNA splicing suggest that this variant is not likely to affect RNA splicing. In summary, the available evidence is currently insufficient to determine the role of this variant in disease. Therefore, it has been classified as a Variant of Uncertain Significance.

Literature cited by the submitters: PubMed 17576681; PubMed 9536098.